The following is an entry in ClinVar:

NM_007325.5(GRIA3):c.2476G>A (p.Gly826Ser)

Gene: GRIA3 (glutamate ionotropic receptor AMPA type subunit 3; plus strand). Cytogenetic location: Xq25.
Variant type: single nucleotide variant.
Coding change: c.2476G>A on transcript NM_007325.5 (MANE Select); coding-DNA position 2476, G replaced by A.
Protein change: p.Gly826Ser; replaces glycine 826 with serine.
Molecular consequence: missense variant.
Genome position (GRCh38, 1-based): chrX:123,482,835, G>A. VCF-style: chrX-123482835-G-A. GRCh37 (hg19) VCF-style: chrX-122616686-G-A.
Other names: c.2476G>A, p.Gly826Ser (NM_000828.5); short protein forms G826S.
Identifiers: ClinVar variation 2637586 (VCV002637586.1), dbSNP rs2521368106, ClinGen allele CA414255835.

ClinVar aggregate classification (germline): Uncertain significance (1 of 4 stars; one submission).

Submission:

Women's Health and Genetics/Laboratory Corporation of America, LabCorp
Classification: Uncertain significance. Last evaluated: 2023-10-31. Review status: criteria provided, single submitter. Criteria: LabCorp Variant Classification Summary - May 2015. Collection method: clinical testing. Allele origin: germline.
Comment: Variant summary: GRIA3 c.2476G>A (p.Gly826Ser) results in a non-conservative amino acid change located in the Ionotropic glutamate receptor, C-terminal domain (IPR001320) of the encoded protein sequence. Five of five in-silico tools predict a damaging effect of the variant on protein function. The variant was absent in 183346 control chromosomes. To our knowledge, no occurrence of c.2476G>A in individuals affected with Syndromic X-Linked Intellectual Disability 94 and no experimental evidence demonstrating its impact on protein function have been reported. A different missense variant at the same position (c.2477G>A, p.Gly826Asp) has been previously reported in multiple male members of a family affected with a neurodevelopmental disorder and consistent early onset movement disorder phenotype. In vitro functional analysis of p.Gly826Asp demonstrated that the variant protein results in decreased current response upon stimulation with agonist, and a reduction of cell surface expression (PMID: 32369665). These findings point to a critical relevance of the Glycine 826 residue to overall GRIA3 protein function. No submitters have cited clinical-significance assessments for this variant to ClinVar after 2014. Based on the evidence outlined above, this p.Gly826Ser variant was classified as VUS-possibly pathogenic.